The following is an entry in ClinVar:

NM_000057.4(BLM):c.440_443del (p.Asp146_Ser147insTer)

Gene: BLM (BLM RecQ like helicase; plus strand). Cytogenetic location: 15q26.1.
Variant type: Deletion.
Coding change: c.440_443del on transcript NM_000057.4 (MANE Select); coding-DNA positions 440 to 443, 4 bases deleted (CTTT; older notation c.440_443delCTTT).
Protein change: p.Asp146_Ser147insTer.
Molecular consequence: nonsense. On other transcripts: 5 prime UTR variant (1).
Genome position (GRCh38, 1-based): chr15:90,749,708-90,749,711, CTTT deleted; deleting any 4 consecutive bases within chr15:90,749,706-90,749,711 gives the same sequence; the c. name uses the placement nearest the transcript's 3' end. VCF-style (leftmost placement, unchanged base first): chr15-90749705-ATTCT-A. GRCh37 (hg19) VCF-style: chr15-91292935-ATTCT-A.
Other names: c.440_443del, p.Asp146_Ser147insTer (NM_001287246.2, NM_001287247.2); c.-852_-849del (NM_001287248.2).
Identifiers: ClinVar variation 944548 (VCV000944548.8), dbSNP rs1895617043, ClinGen allele CA1139664155.

ClinVar aggregate classification (germline): Pathogenic (1 of 4 stars; one submission).

Conditions:
Bloom syndrome (BLM). Also called: Bloom-Torre-Machacek syndrome. Identifiers: Orphanet 125, MedGen C0005859, MONDO:0008876, OMIM 210900.

Submission:

Labcorp Genetics (formerly Invitae), Labcorp
Classification: Pathogenic for Bloom syndrome. Last evaluated: 2019-05-06. Review status: criteria provided, single submitter. Criteria: Invitae Variant Classification Sherloc (09022015). Collection method: clinical testing. Allele origin: germline.
Comment: Loss-of-function variants in BLM are known to be pathogenic (PMID: 17407155). For these reasons, this variant has been classified as Pathogenic. This variant has not been reported in the literature in individuals with BLM-related conditions. This variant is not present in population databases (ExAC no frequency). This sequence change creates a premature translational stop signal (p.Ser147*) in the BLM gene. It is expected to result in an absent or disrupted protein product.

Literature cited by the submitters: PubMed 17407155.